The following is an entry in ClinVar:

ClinVar aggregate classification (germline): Uncertain significance. Review status: criteria provided, multiple submitters, no conflicts (2 of 4 stars). 2 submissions from 2 submitters: Uncertain significance (2). Last evaluated 2025-10-17.

Conditions:
Inborn genetic diseases. Identifiers: MedGen C0950123, MeSH D030342.

Allele frequency attached by ClinVar (database versions not stated): gnomAD exomes 0.00001.
gnomAD v4.1: 10 of 1,614,020 alleles (0.00062%); highest among the groups gnomAD compares: Admixed American, 0.0017%; no homozygotes.

Submissions (2):

Ambry Genetics
Classification: Uncertain significance for Inborn genetic diseases. Last evaluated: 2025-10-17. Review status: criteria provided, single submitter. Criteria: Ambry Variant Classification Scheme 2023. Collection method: clinical testing. Allele origin: germline.

GeneDx
Classification: Uncertain significance. Last evaluated: 2025-08-08. Review status: criteria provided, single submitter. Criteria: GeneDx Variant Classification Process June 2021. Collection method: clinical testing. Allele origin: germline. Affected: yes.
Comment: Not observed at significant frequency in large population cohorts (gnomAD); In silico analysis suggests that this missense variant does not alter protein structure/function; Has not been previously published as pathogenic or benign to our knowledge; This substitution is predicted to be in the cytoplasmic loop between the first and second homologous domains

NM_001040142.2(SCN2A):c.1433G>A (p.Gly478Asp)

Gene: SCN2A (sodium voltage-gated channel alpha subunit 2; plus strand). Cytogenetic location: 2q24.3.
Variant type: single nucleotide variant.
Coding change: c.1433G>A on transcript NM_001040142.2 (MANE Select); coding-DNA position 1433, G replaced by A.
Protein change: p.Gly478Asp; replaces glycine 478 with aspartic acid.
Molecular consequence: missense variant.
Genome position (GRCh38, 1-based): chr2:165,315,520, G>A. VCF-style: chr2-165315520-G-A. GRCh37 (hg19) VCF-style: chr2-166172030-G-A.
Other names: c.1433G>A, p.Gly478Asp (NM_001040143.2, NM_001371246.1, NM_001371247.1 and 1 more transcripts); short protein forms G478D.
Identifiers: ClinVar variation 1320791 (VCV001320791.4), dbSNP rs2105259619, ClinGen allele CA349022806.
Genomic context (GRCh38, chr2:165,315,520, plus strand): 5'-CGCCCTTCTAGGCGGCAGCTGCAGCCGCATCTGCTGAATCAAGAGACTTCAGTGGTGCTG[G>A]TGGGATAGGAGTTTTTTCAGAGAGTTCTTCAGTAGCATCTAAGTTGAGCTCCAAAAGTGA-3'
Protein context (NP_001035232.1, residues 468-488): SAESRDFSGA[Gly478Asp]GIGVFSESSS